The following is an entry in ClinVar:

Conditions:
Breast-ovarian cancer, familial, susceptibility to, 1 (BROVCA1). Also called: BRCA1 Hereditary Breast and Ovarian Cancer; OVARIAN CANCER, SUSCEPTIBILITY TO. Identifiers: Orphanet 145, MedGen C2676676, MONDO:0011450, OMIM 604370. Disease mechanism: loss of function.

Submission:

Brotman Baty Institute, University of Washington
No classification provided (evidence only). Condition: Breast-ovarian cancer, familial 1. Review status: no classification provided. Collection method: in vitro. Allele origin: not applicable. Functional consequence: functionally_normal.
ClinVar note: "not provided" was previously submitted as the classification for the variant. However, the classification appeared to be based only on an observation of functional data so it was converted to no classification on 2025-07-30.

NM_007294.4(BRCA1):c.5294A>C (p.Glu1765Ala)

Gene: BRCA1 (BRCA1 DNA repair associated; minus strand). Cytogenetic location: 17q21.31.
Variant type: single nucleotide variant.
Coding change: c.5294A>C on transcript NM_007294.4 (MANE Select); coding-DNA position 5294, A replaced by C.
Protein change: p.Glu1765Ala; replaces glutamic acid 1765 with alanine.
Molecular consequence: missense variant. On other transcripts: non-coding transcript variant (1).
Genome position (GRCh38, 1-based): chr17:43,051,101, T>G on the plus strand (A>C on the coding strand, the complement: BRCA1 is on the minus strand). VCF-style: chr17-43051101-T-G. GRCh37 (hg19) VCF-style: chr17-41203118-T-G.
Other names: c.5150A>C, p.Glu1717Ala (NM_001407752.1, NM_001407943.1, NM_001407944.1 and 21 more transcripts); c.5147A>C, p.Glu1716Ala (NM_001407849.1, NM_001407850.1, NM_001407851.1 and 12 more transcripts); c.5294A>C, p.Glu1765Ala (NM_001407854.1, NM_001407605.1, NM_001407593.1 and 6 more transcripts); c.5291A>C, p.Glu1764Ala (NM_001407858.1, NM_001407859.1, NM_001407860.1 and 17 more transcripts); c.5084A>C, p.Glu1695Ala (NM_001407886.1, NM_001407887.1, NM_001407889.1 and 5 more transcripts); c.5081A>C, p.Glu1694Ala (NM_001407894.1, NM_001407895.1, NM_001407896.1 and 12 more transcripts); c.5078A>C, p.Glu1693Ala (NM_001407917.1, NM_001407918.1, NM_001407915.1 and 1 more transcripts); c.5030A>C, p.Glu1677Ala (NM_001407920.1, NM_001407921.1, NM_001407922.1 and 4 more transcripts); and 72 more; short protein forms E661A, E1718A, E1765A, E1786A, E1469A, E1652A, E1675A, E1677A.
Identifiers: ClinVar variation 865274 (VCV000865274.3), dbSNP rs2051209003, ClinGen allele CA10590962.